The following is an entry in ClinVar:

ClinVar aggregate classification (germline): Uncertain significance. Review status: criteria provided, multiple submitters, no conflicts (2 of 4 stars). 2 submissions from 2 submitters: Uncertain significance (2). Last evaluated 2022-09-27.

Conditions:
Autosomal recessive limb-girdle muscular dystrophy type 2K. Also called: MUSCULAR DYSTROPHY-DYSTROGLYCANOPATHY (LIMB-GIRDLE), TYPE C, 1; MUSCULAR DYSTROPHY, LIMB-GIRDLE, TYPE 2K. Identifiers: Orphanet 86812, MedGen C1836373, MONDO:0012248, OMIM 609308.
Muscular dystrophy-dystroglycanopathy (congenital with impaired intellectual development), type B, 1. Also called: Muscular dystrophy-dystroglycanopathy (congenital with intellectual disability), type B1; MUSCULAR DYSTROPHY, CONGENITAL, POMT1-RELATED. Identifiers: MedGen C5436962, MONDO:0013159, OMIM 613155.
Muscular dystrophy-dystroglycanopathy (congenital with brain and eye anomalies), type A1 (MDDGA1). Also called: COD-MD SYNDROME; Muscular dystrophy-dystroglycanopathy (congenital with brain and eye anomalies), type A, 1; WALKER-WARBURG SYNDROME OR MUSCLE-EYE-BRAIN DISEASE, POMT1-RELATED; Hydrocephalus, agyria and retinal dysplasia; Hard +/- E syndrome; Warburg syndrome. Identifiers: Orphanet 588, Orphanet 899, MedGen C4284790, MONDO:0009364, OMIM 236670.
Walker-Warburg congenital muscular dystrophy. Also called: Muscular dystrophy-dystroglycanopathy, type A; Walker-Warburg syndrome. Identifiers: Orphanet 899, MedGen C0265221, MONDO:0000171.

Allele frequency attached by ClinVar (database versions not stated): TOPMed 0.00001; ExAC 0.00002; gnomAD exomes 0.00001.
gnomAD v4.1: 6 of 1,610,706 alleles (0.00037%); highest among the groups gnomAD compares: Admixed American, 0.01%; no homozygotes.

Submissions (2):

Labcorp Genetics (formerly Invitae), Labcorp
Classification: Uncertain significance for Muscular dystrophy-dystroglycanopathy (congenital with impaired intellectual development), type B, 1; Walker-Warburg congenital muscular dystrophy; Autosomal recessive limb-girdle muscular dystrophy type 2K. Last evaluated: 2022-09-27. Review status: criteria provided, single submitter. Criteria: Invitae Variant Classification Sherloc (09022015). Collection method: clinical testing. Allele origin: germline.
Comment: This sequence change replaces tyrosine, which is neutral and polar, with cysteine, which is neutral and slightly polar, at codon 721 of the POMT1 protein (p.Tyr721Cys). This variant is present in population databases (rs754444374, gnomAD 0.01%). This variant has not been reported in the literature in individuals affected with POMT1-related conditions. ClinVar contains an entry for this variant (Variation ID: 1471141). Advanced modeling of protein sequence and biophysical properties (such as structural, functional, and spatial information, amino acid conservation, physicochemical variation, residue mobility, and thermodynamic stability) has been performed at Invitae for this missense variant, however the output from this modeling did not meet the statistical confidence thresholds required to predict the impact of this variant on POMT1 protein function. In summary, the available evidence is currently insufficient to determine the role of this variant in disease. Therefore, it has been classified as a Variant of Uncertain Significance.

Fulgent Genetics
Classification: Uncertain significance for Muscular dystrophy-dystroglycanopathy (congenital with brain and eye anomalies), type A1; Autosomal recessive limb-girdle muscular dystrophy type 2K; Muscular dystrophy-dystroglycanopathy (congenital with impaired intellectual development), type B, 1. Last evaluated: 2022-02-25. Review status: criteria provided, single submitter. Criteria: ACMG Guidelines, 2015. Collection method: clinical testing. Allele origin: unknown.

NM_001077365.2(POMT1):c.2096A>G (p.Tyr699Cys)

Gene: POMT1 (protein O-mannosyltransferase 1; plus strand). Cytogenetic location: 9q34.13.
Variant type: single nucleotide variant.
Coding change: c.2096A>G on transcript NM_001077365.2 (MANE Select); coding-DNA position 2096, A replaced by G.
Protein change: p.Tyr699Cys; replaces tyrosine 699 with cysteine.
Molecular consequence: missense variant. On other transcripts: non-coding transcript variant (10).
Genome position (GRCh38, 1-based): chr9:131,523,024, A>G. VCF-style: chr9-131523024-A-G. GRCh37 (hg19) VCF-style: chr9-134398411-A-G.
Other names: c.1934A>G, p.Tyr645Cys (NM_001077366.2, NM_001353194.2); c.2096A>G, p.Tyr699Cys (NM_001136113.2); c.1745A>G, p.Tyr582Cys (NM_001136114.2, NM_001374691.1, NM_001374692.1 and 2 more transcripts); c.1706A>G, p.Tyr569Cys (NM_001374695.1); c.2162A>G, p.Tyr721Cys (NM_007171.4, NM_001353193.2); c.2006A>G, p.Tyr669Cys (NM_001353196.2); c.2000A>G, p.Tyr667Cys (NM_001353197.2, NM_001353198.2); c.1811A>G, p.Tyr604Cys (NM_001353199.2); and 3 more; short protein forms Y604C, Y669C, Y569C, Y626C, Y667C, Y699C, Y547C, Y582C.
Identifiers: ClinVar variation 1471141 (VCV001471141.6), dbSNP rs754444374, ClinGen allele CA5293937.
Genomic context (GRCh38, chr9:131,523,024, plus strand): 5'-TGGTGGTGGCCTGGTACTCCTCCGCGTGCCACGTGTCCAACACGCTGCGCCCACTCACCT[A>G]CGGGGACAAGTCACTCTCGCCACATGAACTCAAGGCCCTTCGCTGGAAAGACAGCTGGGA-3'
Protein context (NP_001070833.1, residues 689-709): HVSNTLRPLT[Tyr699Cys]GDKSLSPHEL